The following is an entry in ClinVar:

NM_024675.4(PALB2):c.2147A>G (p.Asn716Ser)

Gene: PALB2 (partner and localizer of BRCA2; minus strand). Cytogenetic location: 16p12.2.
Variant type: single nucleotide variant.
Coding change: c.2147A>G on transcript NM_024675.4 (MANE Select); coding-DNA position 2147, A replaced by G.
Protein change: p.Asn716Ser; replaces asparagine 716 with serine.
Molecular consequence: missense variant.
Genome position (GRCh38, 1-based): chr16:23,630,007, T>C on the plus strand (A>G on the coding strand, the complement: PALB2 is on the minus strand). VCF-style: chr16-23630007-T-C. GRCh37 (hg19) VCF-style: chr16-23641328-T-C.
Other names: short protein forms N716S.
Identifiers: ClinVar variation 232654 (VCV000232654.29), dbSNP rs148335539, ClinGen allele CA7963618.

ClinVar aggregate classification (germline): Conflicting classifications of pathogenicity. Review status: criteria provided, conflicting classifications (1 of 4 stars). 8 submissions from 8 submitters: Uncertain significance (5); Benign (1); Likely benign (1). 1 of the submissions does not count toward it. Last evaluated 2026-02-03.

Conditions:
Hereditary cancer-predisposing syndrome. Also called: Neoplastic Syndromes, Hereditary; Tumor predisposition; Hereditary Cancer Syndrome; Hereditary neoplastic syndrome. Identifiers: Orphanet 140162, MedGen C0027672, MeSH D009386, MONDO:0015356.
PALB2-related disorder. Also called: PALB2-related disorders; PALB2-related condition.
Familial cancer of breast. Also called: BREAST CANCER, FAMILIAL; hereditary breast carcinoma; Hereditary breast cancer. Identifiers: Orphanet 227535, MedGen C0346153, MONDO:0016419, OMIM 114480. Disease mechanism: loss of function.
Papillary thyroid carcinoma. Also called: NONMEDULLARY THYROID CARCINOMA, PAPILLARY; Thyroid gland papillary carcinoma; Thyroid carcinoma, papillary, somatic. Identifiers: Orphanet 146, MedGen C0238463, MeSH D000077273, MONDO:0005075, HP:0002895.

Allele frequency attached by ClinVar (database versions not stated): gnomAD exomes below 0.00001; ExAC 0.00001; gnomAD 0.00001; TOPMed 0.00001; ESP Exome Variant Server 0.00008.
gnomAD v4.1: 6 of 1,614,028 alleles (0.00037%); highest among the groups gnomAD compares: Non-Finnish European, 0.00051%; no homozygotes.

Submissions (8):

Labcorp Genetics (formerly Invitae), Labcorp
Classification: Uncertain significance for Familial cancer of breast. Last evaluated: 2026-02-03. Review status: criteria provided, single submitter. Criteria: Invitae Variant Classification Sherloc (09022015). Collection method: clinical testing. Allele origin: germline.
Comment: This sequence change replaces asparagine, which is neutral and polar, with serine, which is neutral and polar, at codon 716 of the PALB2 protein (p.Asn716Ser). This variant is not present in population databases (gnomAD no frequency). This variant has not been reported in the literature in individuals affected with PALB2-related conditions. ClinVar contains an entry for this variant (Variation ID: 232654). Invitae Evidence Modeling of protein sequence and biophysical properties (such as structural, functional, and spatial information, amino acid conservation, physicochemical variation, residue mobility, and thermodynamic stability) indicates that this missense variant is not expected to disrupt PALB2 protein function with a negative predictive value of 80%. RNA analysis performed to evaluate the impact of this missense change on mRNA splicing indicates it does not significantly alter splicing (internal data). In summary, the available evidence is currently insufficient to determine the role of this variant in disease. Therefore, it has been classified as a Variant of Uncertain Significance.

Color Diagnostics, LLC DBA Color Health
Classification: Uncertain significance for Hereditary cancer-predisposing syndrome. Last evaluated: 2025-07-29. Review status: criteria provided, single submitter. Criteria: ACMG Guidelines, 2015. Collection method: clinical testing. Allele origin: germline.
Comment: This missense variant replaces asparagine with serine at codon 716 of the PALB2 protein. Computational prediction suggests that this variant may not impact protein structure and function. To our knowledge, functional studies have not been reported for this variant. This variant has not been reported in individuals affected with PALB2-related disorders in the literature. This variant has been identified in 1/251492 chromosomes in the general population by the Genome Aggregation Database (gnomAD). The available evidence is insufficient to determine the role of this variant in disease conclusively. Therefore, this variant is classified as a Variant of Uncertain Significance.

Myriad Genetics, Inc.
Classification: Benign for Familial cancer of breast. Last evaluated: 2025-01-15. Review status: criteria provided, single submitter. Criteria: Myriad Autosomal Dominant, Autosomal Recessive and X-Linked Classification Criteria (2023). Collection method: clinical testing. Allele origin: unknown.
Comment: This variant is considered benign. This variant has been observed in trans with a known pathogenic variant in one or more individuals lacking clinical features consistent with gene-specific recessive disease. This variant is strongly associated with less severe personal and family histories of cancer, typical for individuals without pathogenic variants in this gene [PMID: 25085752].

Ambry Genetics
Classification: Likely benign for Hereditary cancer-predisposing syndrome. Last evaluated: 2024-03-27. Review status: criteria provided, single submitter. Criteria: Ambry Variant Classification Scheme 2023. Collection method: clinical testing. Allele origin: germline.

GeneDx
Classification: Uncertain significance. Last evaluated: 2024-03-20. Review status: criteria provided, single submitter. Criteria: GeneDx Variant Classification Process June 2021. Collection method: clinical testing. Allele origin: germline. Affected: yes.
Comment: Not observed at significant frequency in large population cohorts (gnomAD); In silico analysis supports that this missense variant does not alter protein structure/function; Has not been previously published as pathogenic or benign to our knowledge; This variant is associated with the following publications: (PMID: 25636233)

Women's Health and Genetics/Laboratory Corporation of America, LabCorp
Classification: Uncertain significance. Last evaluated: 2022-06-30. Review status: criteria provided, single submitter. Criteria: LabCorp Variant Classification Summary - May 2015. Collection method: clinical testing. Allele origin: germline.

St. Jude Molecular Pathology, St. Jude Children's Research Hospital
Classification: Uncertain significance for Papillary thyroid carcinoma. Last evaluated: 2017-04-26. Review status: criteria provided, single submitter. Criteria: ACMG Guidelines, 2015. Collection method: clinical testing. Allele origin: germline. Affected: yes.

PreventionGenetics, part of Exact Sciences
Classification: Uncertain significance for PALB2-related condition. Last evaluated: 2024-06-15. Review status: no assertion criteria provided. Collection method: clinical testing. Allele origin: germline. Not counted in ClinVar's aggregate classification.
Comment: The PALB2 c.2147A>G variant is predicted to result in the amino acid substitution p.Asn716Ser. To our knowledge, this variant has not been reported in the literature. This variant is reported in 0.00088% of alleles in individuals of European (Non-Finnish) descent in gnomAD. This variant has been classified as a variant of uncertain significance by multiple submitters in ClinVar. At this time, the clinical significance of this variant is uncertain due to the absence of conclusive functional and genetic evidence.

Literature cited by the submitters: PubMed 25085752 (cited by Myriad Genetics, Inc.).